The following is an entry in ClinVar:

ClinVar aggregate classification (germline): Conflicting classifications of pathogenicity. Review status: criteria provided, conflicting classifications (1 of 4 stars). 5 submissions from 5 submitters: Uncertain significance (4); Likely benign (1). Last evaluated 2025-06-20.

Conditions:
Cardiovascular phenotype. Identifiers: MedGen CN230736.
Keratosis palmoplantaris striata 2. Also called: KERATODERMA, PALMOPLANTAR, STRIATE FORM II; STRIATE PALMOPLANTAR KERATODERMA II; Keratosis palmoplantaris striata II. Identifiers: MedGen C1852127, MONDO:0013034, OMIM 612908.
Lethal acantholytic epidermolysis bullosa (EBLA). Identifiers: Orphanet 158687, MedGen C1864826, MONDO:0012323, OMIM 609638.
Arrhythmogenic cardiomyopathy with wooly hair and keratoderma. Also called: Dilated cardiomyopathy with woolly hair and keratoderma; PALMOPLANTAR KERATODERMA WITH LEFT VENTRICULAR CARDIOMYOPATHY AND WOOLLY HAIR; Carvajal syndrome; Arrhythmogenic cardiomyopathy with woolly hair and keratoderma. Identifiers: Orphanet 65282, MedGen C1854063, MONDO:0011581, OMIM 605676.
Woolly hair-skin fragility syndrome (WHSF). Identifiers: Orphanet 293165, MedGen C1843292, MONDO:0957307, OMIM 620415.
Arrhythmogenic right ventricular dysplasia 8 (ARVD8). Also called: Arrhythmogenic Right Ventricular Dysplasia/Cardiomyopathy 8; ARRHYTHMOGENIC RIGHT VENTRICULAR DYSPLASIA, FAMILIAL, 8; ARRHYTHMOGENIC RIGHT VENTRICULAR CARDIOMYOPATHY 8. Identifiers: MedGen C1843896, MONDO:0011831, OMIM 607450.
Cardiomyopathy, dilated, with wooly hair, keratoderma, and tooth agenesis. Also called: Cardiomyopathy, dilated, with woolly hair, keratoderma, and tooth agenesis; Erythrokeratodermia-cardiomyopathy syndrome. Identifiers: Orphanet 476096, Orphanet 65282, MedGen C4014393, MONDO:0014355, OMIM 615821.
Cardiomyopathy (CMYO). Also called: Cardiomyopathies. Identifiers: Orphanet 167848, MedGen C0878544, MONDO:0004994, HP:0001638. Inheritance: Various modes of inheritance.

gnomAD v4.1: 14 of 1,614,052 alleles (0.00087%); highest among the groups gnomAD compares: Non-Finnish European, 0.001%; no homozygotes.

Submissions (5):

Color Diagnostics, LLC DBA Color Health
Classification: Likely benign for Cardiomyopathy. Last evaluated: 2025-06-20. Review status: criteria provided, single submitter. Criteria: ACMG Guidelines, 2015. Collection method: clinical testing. Allele origin: germline.

All of Us Research Program, National Institutes of Health
Classification: Uncertain significance for Arrhythmogenic cardiomyopathy with wooly hair and keratoderma. Last evaluated: 2024-05-14. Review status: criteria provided, single submitter. Criteria: ACMG Guidelines, 2015. Collection method: clinical testing. Allele origin: germline. Inheritance: Autosomal dominant inheritance. Observed: 5 variant alleles, 5 heterozygotes.
Comment: This missense variant replaces arginine with leucine at codon 1634 of the DSP protein. Computational prediction suggests that this variant may not impact protein structure and function (internally defined REVEL score threshold <= 0.5, PMID: 27666373). To our knowledge, functional studies have not been reported for this variant. This variant has not been reported in individuals affected with cardiovascular disorders in the literature. This variant has been identified in 2/249938 chromosomes in the general population by the Genome Aggregation Database (gnomAD). The available evidence is insufficient to determine the role of this variant in disease conclusively. Therefore, this variant is classified as a Variant of Uncertain Significance.

This study involves interpretation of variants in research participants for the purpose of population health screening. Participant phenotype was not available at the time of variant classification. Additional details can be found in publication PMID: 35346344, PMCID: PMC8962531

Ambry Genetics
Classification: Uncertain significance for Cardiovascular phenotype. Last evaluated: 2024-01-03. Review status: criteria provided, single submitter. Criteria: Ambry Variant Classification Scheme 2023. Collection method: clinical testing. Allele origin: germline.
Comment: The p.R1634L variant (also known as c.4901G>T), located in coding exon 23 of the DSP gene, results from a G to T substitution at nucleotide position 4901. The arginine at codon 1634 is replaced by leucine, an amino acid with dissimilar properties. This variant was detected in a cardiomyopathy/arrhythmia genetic testing cohort; however, clinical details were limited, and additional cardiac variants were detected in some cases (van Lint FHM et al. Neth Heart J, 2019 Jun;27:304-309). This amino acid position is not well conserved in available vertebrate species. In addition, this alteration is predicted to be tolerated by in silico analysis. Since supporting evidence is limited at this time, the clinical significance of this alteration remains unclear.

Labcorp Genetics (formerly Invitae), Labcorp
Classification: Uncertain significance for Arrhythmogenic cardiomyopathy with wooly hair and keratoderma; Arrhythmogenic right ventricular dysplasia 8. Last evaluated: 2023-09-04. Review status: criteria provided, single submitter. Criteria: Invitae Variant Classification Sherloc (09022015). Collection method: clinical testing. Allele origin: germline.
Comment: In summary, the available evidence is currently insufficient to determine the role of this variant in disease. Therefore, it has been classified as a Variant of Uncertain Significance. An algorithm developed to predict the effect of missense changes on protein structure and function (PolyPhen-2) suggests that this variant¬†is likely to be tolerated. ClinVar contains an entry for this variant (Variation ID: 1172188). This variant has not been reported in the literature in individuals affected with DSP-related conditions. This variant is present in population databases (rs144106775, gnomAD 0.002%). This sequence change replaces arginine, which is basic and polar, with leucine, which is neutral and non-polar, at codon 1634 of the DSP protein (p.Arg1634Leu).

Fulgent Genetics
Classification: Uncertain significance for Arrhythmogenic cardiomyopathy with wooly hair and keratoderma; Arrhythmogenic right ventricular dysplasia 8; Lethal acantholytic epidermolysis bullosa; Keratosis palmoplantaris striata 2; Cardiomyopathy, dilated, with wooly hair, keratoderma, and tooth agenesis. Last evaluated: 2021-10-20. Review status: criteria provided, single submitter. Criteria: ACMG Guidelines, 2015. Collection method: clinical testing. Allele origin: unknown.

Literature cited by the submitters: PubMed 30847666 (cited by Ambry Genetics).

NM_004415.4(DSP):c.4901G>T (p.Arg1634Leu)

Gene: DSP (desmoplakin; plus strand). Cytogenetic location: 6p24.3.
Variant type: single nucleotide variant.
Coding change: c.4901G>T on transcript NM_004415.4 (MANE Select); coding-DNA position 4901, G replaced by T.
Protein change: p.Arg1634Leu; replaces arginine 1634 with leucine.
Molecular consequence: missense variant. On other transcripts: intron variant (2).
Genome position (GRCh38, 1-based): chr6:7,581,091, G>T. VCF-style: chr6-7581091-G-T. GRCh37 (hg19) VCF-style: chr6-7581324-G-T.
Other names: c.4050+851G>T (NM_001319034.2); c.3582+1319G>T (NM_001008844.3); short protein forms R1634L.
Identifiers: ClinVar variation 1172188 (VCV001172188.12), dbSNP rs144106775, ClinGen allele CA043333.